The following is an entry in ClinVar:

ClinVar aggregate classification (germline): Pathogenic (1 of 4 stars; one submission).

Conditions:
Achondrogenesis type II (ACG2). Also called: ACHONDROGENESIS, LANGER-SALDINO TYPE; CHONDROGENESIS IMPERFECTA. Identifiers: Orphanet 932, Orphanet 93296, MedGen C0220685, MONDO:0008702, OMIM 200610.
Avascular necrosis of femoral head, primary, 1 (ANFH1). Also called: Avascular necrosis of femoral head, primary. Identifiers: Orphanet 86820, MedGen C4551562, MONDO:0054550, OMIM 608805.
Multiple epiphyseal dysplasia, Beighton type. Identifiers: Orphanet 166011, MedGen C1851536, MONDO:0007562, OMIM 132450.
Platyspondylic dysplasia, Torrance type (PLSDT). Identifiers: Orphanet 85166, MedGen C1835437, MONDO:0007895, OMIM 151210.
Legg-Calve-Perthes disease. Also called: PERTHES DISEASE; Osteochondritis deformans; Coxa plana; Avascular necrosis of the capital femoral epiphysis. Identifiers: Orphanet 2380, MedGen C1442965, MONDO:0007885, OMIM 150600, HP:0005743.
Spondyloepiphyseal dysplasia congenita (SEDC). Also called: SED CONGENITA; SPONDYLOEPIPHYSEAL DYSPLASIA, CONGENITAL TYPE. Identifiers: Orphanet 94068, MedGen C2745959, MONDO:0008471, OMIM 183900.
Kniest dysplasia. Identifiers: Orphanet 485, MedGen C0265279, MONDO:0007987, OMIM 156550.
Namaqualand hip dysplasia (OSCDP). Also called: Mild spondyloepiphyseal dysplasia due to COL2A1 mutation with early-onset osteoarthritis. Identifiers: Orphanet 93279, MedGen C0432214, MONDO:0011496, OMIM 604864.
Spondyloperipheral dysplasia. Also called: SPONDYLOPERIPHERAL DYSPLASIA WITH SHORT ULNA; Spondyloperipheral dysplasia-short ulna syndrome. Identifiers: Orphanet 1856, MedGen C0796173, MONDO:0010078, OMIM 271700.
Stickler syndrome type 1 (STL1). Also called: ARTHROOPHTHALMOPATHY, HEREDITARY PROGRESSIVE; STICKLER SYNDROME, MEMBRANOUS VITREOUS TYPE; STICKLER SYNDROME, VITREOUS TYPE 1; COL2A1-Related Stickler Syndrome. Identifiers: Orphanet 828, Orphanet 90653, MedGen C2020284, MONDO:0007160, OMIM 108300.
Spondyloepiphyseal dysplasia with metatarsal shortening. Also called: Pseudorheumatoid dysplasia progressive, with hypoplastic toes; CZECH DYSPLASIA, METATARSAL TYPE; SPONDYLOEPIPHYSEAL DYSPLASIA WITH PRECOCIOUS OSTEOARTHRITIS. Identifiers: Orphanet 137678, MedGen C1836683, MONDO:0012206, OMIM 609162.
Stickler syndrome, type I, nonsyndromic ocular. Also called: STICKLER SYNDROME, TYPE I, PREDOMINANTLY OCULAR; STICKLER SYNDROME, ATYPICAL. Identifiers: MedGen C1836080, MONDO:0012287, OMIM 609508.
Vitreoretinopathy with phalangeal epiphyseal dysplasia (VPED). Identifiers: MedGen C1852989, MONDO:0031001, OMIM 619248.
Spondyloepiphyseal dysplasia, Stanescu type. Also called: SED, STANESCU TYPE; SPONDYLOEPIMETAPHYSEAL DYSPLASIA, STANESCU TYPE. Identifiers: Orphanet 459051, MedGen C4225273, MONDO:0014701, OMIM 616583.
Spondyloepimetaphyseal dysplasia, Strudwick type (SEMDSTWK). Also called: DAPPLED METAPHYSIS SYNDROME; STRUDWICK SYNDROME. Identifiers: Orphanet 93346, MedGen C0700635, MONDO:0008476, OMIM 184250.

Submission:

Juno Genomics, Hangzhou Juno Genomics, Inc
Classification: Pathogenic for Multiple epiphyseal dysplasia, Beighton type; Vitreoretinopathy with phalangeal epiphyseal dysplasia; Achondrogenesis type II; Avascular necrosis of femoral head, primary, 1; Spondyloepiphyseal dysplasia with metatarsal shortening; Kniest dysplasia; Legg-Calve-Perthes disease; Namaqualand hip dysplasia; Platyspondylic dysplasia, Torrance type; Spondyloepiphyseal dysplasia congenita; Spondyloepimetaphyseal dysplasia, Strudwick type; Spondyloepiphyseal dysplasia, Stanescu type; Spondyloperipheral dysplasia; Stickler syndrome type 1; Stickler syndrome, type I, nonsyndromic ocular. Review status: criteria provided, single submitter. Criteria: ACMG Guidelines, 2015. Collection method: clinical testing. Allele origin: germline. Affected: yes.
Comment: Absent from controls (or at extremely low frequency if recessive) in Genome Aggregation Database, Exome Sequencing Project, 1000 Genomes Project, or Exome Aggregation Consortium.;Multiple lines of computational evidence support a deleterious effect on the gene or gene product (conservation, evolutionary, splicing impact, etc).;Missense variant in a gene that has a low rate of benign missense variation and where missense variants are a common mechanism of disease.;The prevalence of the variant in affected individuals is significantly increased compared to the prevalence in controls.;De novo (both maternity and paternity confirmed) in a patient with the disease and no family history.;Co-segregation with disease in multiple affected family members in a gene definitively known to cause the disease.

NM_001844.5(COL2A1):c.3040G>A (p.Gly1014Arg)

Gene: COL2A1 (collagen type II alpha 1 chain; minus strand). Cytogenetic location: 12q13.11.
Variant type: single nucleotide variant.
Coding change: c.3040G>A on transcript NM_001844.5 (MANE Select); coding-DNA position 3040, G replaced by A.
Protein change: p.Gly1014Arg; replaces glycine 1014 with arginine.
Molecular consequence: missense variant.
Genome position (GRCh38, 1-based): chr12:47,978,081, C>T on the plus strand (G>A on the coding strand, the complement: COL2A1 is on the minus strand). VCF-style: chr12-47978081-C-T. GRCh37 (hg19) VCF-style: chr12-48371864-C-T.
Other names: c.2833G>A, p.Gly945Arg (NM_033150.3); short protein forms G1014R, G945R.
Identifiers: ClinVar variation 3382798 (VCV003382798.2).